The following is an entry in ClinVar:

ClinVar aggregate classification (germline): Likely benign. Review status: criteria provided, single submitter (1 of 4 stars). 2 submissions from 2 submitters: Likely benign (1). 1 of the submissions does not count toward it. Last evaluated 2026-01-12.

Conditions:
POLG-related disorder. Also called: POLG-Related Spectrum Disorders; POLG-related condition; POLG-Related Disorders. Identifiers: MedGen C4763519.
Progressive sclerosing poliodystrophy (MTDPS4A). Also called: Mitochondrial DNA depletion syndrome 4A (Alpers type); Alpers Syndrome; ALPERS DIFFUSE DEGENERATION OF CEREBRAL GRAY MATTER WITH HEPATIC CIRRHOSIS; Alpers-Huttenlocher Syndrome; NEURONAL DEGENERATION OF CHILDHOOD WITH LIVER DISEASE, PROGRESSIVE; ALPERS PROGRESSIVE INFANTILE POLIODYSTROPHY. Identifiers: Orphanet 726, MedGen C0205710, MONDO:0008758, OMIM 203700.

Submissions (2):

Labcorp Genetics (formerly Invitae), Labcorp
Classification: Likely benign for Progressive sclerosing poliodystrophy. Last evaluated: 2026-01-12. Review status: criteria provided, single submitter. Criteria: Invitae Variant Classification Sherloc (09022015). Collection method: clinical testing. Allele origin: germline.

PreventionGenetics, part of Exact Sciences
Classification: Likely benign for POLG-related condition. Last evaluated: 2019-10-23. Review status: no assertion criteria provided. Collection method: clinical testing. Allele origin: germline. Not counted in ClinVar's aggregate classification.
Comment: This variant is classified as likely benign based on ACMG/AMP sequence variant interpretation guidelines (Richards et al. 2015 PMID: 25741868, with internal and published modifications).

NM_002693.3(POLG):c.3644-9_3644-6dup

Genes: FANCI (FA complementation group I; plus strand), POLG (DNA polymerase gamma, catalytic subunit; minus strand). Cytogenetic location: 15q26.1.
Variant type: Duplication.
Coding change: c.3644-9_3644-6dup on transcript NM_002693.3 (MANE Select); 9 bases into the intron before coding-DNA position 3644 through 6 bases into the intron before coding-DNA position 3644, 4 bases duplicated (ATCT; older notation c.3644-9_3644-6dupATCT).
Molecular consequence: intron variant. On other transcripts: 3 prime UTR variant (4).
Genome position (GRCh38, 1-based): chr15:89,316,833-89,316,836, AGAT duplicated on the plus strand (ATCT on the coding strand, the reverse complement: POLG is on the minus strand); duplicating any 4 consecutive bases within chr15:89,316,833-89,316,838 gives the same sequence; the c. name uses the placement nearest the transcript's 3' end. VCF-style (leftmost placement, unchanged base first): chr15-89316832-A-AAGAT. GRCh37 (hg19) VCF-style: chr15-89860063-A-AAGAT.
Other names: c.3644-9_3644-6dupATCT (NM_002693.2); c.*376_*379dup (NM_001113378.2, NM_001376910.1, NM_001376911.1 and 1 more transcripts); c.3644-9_3644-6dup (NM_001126131.2).
Identifiers: ClinVar variation 696413 (VCV000696413.13), dbSNP rs1361303371, ClinGen allele CA492069823.